The following is an entry in ClinVar:

NM_139058.3(ARX):c.1449-8_1453del

Gene: ARX (aristaless related homeobox; minus strand). Cytogenetic location: Xp21.3.
Variant type: Deletion.
Coding change: c.1449-8_1453del on transcript NM_139058.3 (MANE Select); 8 bases into the intron before coding-DNA position 1449 through coding-DNA position 1453, 13 bases deleted (CCCTGCAGGCTCT).
Molecular consequence: splice acceptor variant.
Genome position (GRCh38, 1-based): chrX:25,004,906-25,004,918, AGAGCCTGCAGGG deleted on the plus strand (CCCTGCAGGCTCT on the coding strand, the reverse complement: ARX is on the minus strand); deleting any 13 consecutive bases within chrX:25,004,906-25,004,923 gives the same sequence; the c. name uses the placement nearest the transcript's 3' end. VCF-style (leftmost placement, unchanged base first): chrX-25004905-AAGAGCCTGCAGGG-A. GRCh37 (hg19) VCF-style: chrX-25023022-AAGAGCCTGCAGGG-A.
Identifiers: ClinVar variation 1685548 (VCV001685548.3), dbSNP rs2147318823, ClinGen allele CA2573158584.

ClinVar aggregate classification (germline): Conflicting classifications of pathogenicity. Review status: criteria provided, conflicting classifications (1 of 4 stars). 2 submissions from 2 submitters: Pathogenic (1); Uncertain significance (1). Last evaluated 2026-03-26.

Conditions:
Corpus callosum agenesis-abnormal genitalia syndrome. Also called: ACC WITH ABNORMAL GENITALIA; PROUD SYNDROME. Identifiers: Orphanet 2508, MedGen C0796124, MONDO:0010224, OMIM 300004.

Submissions (2):

Dasa
Classification: Uncertain significance. Last evaluated: 2026-03-26. Review status: criteria provided, single submitter. Criteria: DASA Assertion Criteria. Collection method: clinical testing. Allele origin: germline.
Comment: NM_139058.3(ARX):c.1449-8_1453del is a splice-region variant predicted to affect normal RNA splicing. This variant is absent from population databases. The currently available literature and clinical evidence are not sufficient to establish a definitive association between this variant and the reported condition. Therefore, this variant is classified as a variant of uncertain significance.

Mendelics
Classification: Pathogenic for Corpus callosum agenesis-abnormal genitalia syndrome. Last evaluated: 2022-05-04. Review status: criteria provided, single submitter. Criteria: Mendelics Assertion Criteria 2019. Collection method: clinical testing. Allele origin: germline.